The following is an entry in ClinVar:

ClinVar aggregate classification (germline): Uncertain significance. Review status: criteria provided, multiple submitters, no conflicts (2 of 4 stars). 5 submissions from 5 submitters: Uncertain significance (5). Last evaluated 2026-06-22.

Conditions:
Hereditary cancer-predisposing syndrome. Also called: Tumor predisposition; Hereditary neoplastic syndrome; Neoplastic Syndromes, Hereditary; Hereditary Cancer Syndrome. Identifiers: Orphanet 140162, MedGen C0027672, MeSH D009386, MONDO:0015356.
Multiple endocrine neoplasia, type 2 (MEN2). Identifiers: Orphanet 653, MedGen C4048306, MONDO:0019003. Disease mechanism: gain of function.

Allele frequency attached by ClinVar (database versions not stated): TOPMed 0.00001.
gnomAD v4.1: 3 of 1,613,892 alleles (0.00019%); highest among the groups gnomAD compares: Non-Finnish European, 0.00025%; no homozygotes.

Submissions (5):

Ambry Genetics
Classification: Uncertain significance for Hereditary cancer-predisposing syndrome. Last evaluated: 2026-06-22. Review status: criteria provided, single submitter. Criteria: Ambry Variant Classification Scheme 2023. Collection method: clinical testing. Allele origin: germline.
Comment: The p.L1061R variant (also known as c.3182T>G), located in coding exon 19 of the RET gene, results from a T to G substitution at nucleotide position 3182. The leucine at codon 1061 is replaced by arginine, an amino acid with dissimilar properties. This variant has been detected in multiple individuals with no reported features of multiple endocrine neoplasia type 2 or Hirschsprung disease (Ambry internal data). This amino acid position is highly conserved in available vertebrate species. In addition, this alteration is predicted to be deleterious by in silico analysis. Based on the available evidence, the clinical significance of this variant remains unclear.

Labcorp Genetics (formerly Invitae), Labcorp
Classification: Uncertain significance for Multiple endocrine neoplasia, type 2. Last evaluated: 2026-01-20. Review status: criteria provided, single submitter. Criteria: Invitae Variant Classification Sherloc (09022015). Collection method: clinical testing. Allele origin: germline.
Comment: This sequence change replaces leucine, which is neutral and non-polar, with arginine, which is basic and polar, at codon 1061 of the RET protein (p.Leu1061Arg). This variant is not present in population databases (gnomAD no frequency). This variant has not been reported in the literature in individuals affected with RET-related conditions. ClinVar contains an entry for this variant (Variation ID: 840944). An algorithm developed to predict the effect of missense changes on protein structure and function (PolyPhen-2) suggests that this variant is likely to be disruptive. In summary, the available evidence is currently insufficient to determine the role of this variant in disease. Therefore, it has been classified as a Variant of Uncertain Significance.

Center for Genomic Medicine, Rigshospitalet, Copenhagen University Hospital
Classification: Uncertain significance. Last evaluated: 2025-12-29. Review status: criteria provided, single submitter. Criteria: ACMG Guidelines, 2015. Collection method: clinical testing. Allele origin: germline.

All of Us Research Program, National Institutes of Health
Classification: Uncertain significance for Multiple endocrine neoplasia, type 2. Last evaluated: 2024-07-29. Review status: criteria provided, single submitter. Criteria: ACMG Guidelines, 2015. Collection method: clinical testing. Allele origin: germline. Inheritance: Autosomal dominant inheritance. Observed: 3 variant alleles, 3 heterozygotes.
Comment: This missense variant replaces leucine with arginine at codon 1061 of the RET protein. Computational prediction suggests that this variant may have deleterious impact on protein structure and function (internally defined REVEL score threshold >= 0.7, PMID: 27666373). To our knowledge, functional studies have not been reported for this variant. This variant has not been reported in individuals affected with RET-related disorders in the literature. This variant has not been identified in the general population by the Genome Aggregation Database (gnomAD). The available evidence is insufficient to determine the role of this variant in disease conclusively. Therefore, this variant is classified as a Variant of Uncertain Significance.

This study involves interpretation of variants in research participants for the purpose of population health screening. Participant phenotype was not available at the time of variant classification. Additional details can be found in publication PMID: 35346344, PMCID: PMC8962531

Color Diagnostics, LLC DBA Color Health
Classification: Uncertain significance for Multiple endocrine neoplasia, type 2. Last evaluated: 2024-05-24. Review status: criteria provided, single submitter. Criteria: ACMG Guidelines, 2015. Collection method: clinical testing. Allele origin: germline.
Comment: This missense variant replaces leucine with arginine at codon 1061 of the RET protein. Computational prediction suggests that this variant may have deleterious impact on protein structure and function. To our knowledge, functional studies have not been reported for this variant. This variant has not been reported in individuals affected with RET-related disorders in the literature. This variant has not been identified in the general population by the Genome Aggregation Database (gnomAD). The available evidence is insufficient to determine the role of this variant in disease conclusively. Therefore, this variant is classified as a Variant of Uncertain Significance.

NM_020975.6(RET):c.3182T>G (p.Leu1061Arg)

Gene: RET (ret proto-oncogene; plus strand). Cytogenetic location: 10q11.21.
Variant type: single nucleotide variant.
Coding change: c.3182T>G on transcript NM_020975.6 (MANE Select); coding-DNA position 3182, T replaced by G.
Protein change: p.Leu1061Arg; replaces leucine 1061 with arginine.
Molecular consequence: missense variant.
Genome position (GRCh38, 1-based): chr10:43,126,717, T>G. VCF-style: chr10-43126717-T-G. GRCh37 (hg19) VCF-style: chr10-43622165-T-G.
Other names: c.2156T>G, p.Leu719Arg (NM_001406783.1, NM_001406786.1); c.2192T>G, p.Leu731Arg (NM_001406784.1); c.2165T>G, p.Leu722Arg (NM_001406785.1); c.2150T>G, p.Leu717Arg (NM_001406787.1); c.1997T>G, p.Leu666Arg (NM_001406788.1, NM_001406789.1, NM_001406790.1); c.1877T>G, p.Leu626Arg (NM_001406791.1); c.1733T>G, p.Leu578Arg (NM_001406792.1, NM_001406794.1); c.3182T>G, p.Leu1061Arg (NM_000323.2, NM_001406743.1, NM_001406744.1 and 2 more transcripts); and 10 more; short protein forms L807R, L1061R, L719R, L819R, L965R, L973R, L578R, L626R.
Identifiers: ClinVar variation 840944 (VCV000840944.19), dbSNP rs536486113, ClinGen allele CA376558553.
Genomic context (GRCh38, chr10:43,126,717, plus strand): 5'-TGGACTGTAATAATGCCCCCCTCCCTCGAGCCCTCCCTTCCACATGGATTGAAAACAAAC[T>G]CTATGGTAGAATTTCCCATGCATTTACTAGATTCTAGCACCGCTGTCCCCTTTGCACTAT-3'
Protein context (NP_066124.1, residues 1051-1071): ALPSTWIENK[Leu1061Arg]YGMSDPNWPG